The following is an entry in ClinVar:

NM_014550.4(CARD10):c.1065+6G>T

Gene: CARD10 (caspase recruitment domain family member 10; minus strand). Cytogenetic location: 22q13.1.
Variant type: single nucleotide variant.
Coding change: c.1065+6G>T on transcript NM_014550.4 (MANE Select); 6 bases into the intron after coding-DNA position 1065, G replaced by T.
Molecular consequence: intron variant.
Genome position (GRCh38, 1-based): chr22:37,508,521, C>A on the plus strand (G>T on the coding strand, the complement: CARD10 is on the minus strand). VCF-style: chr22-37508521-C-A. GRCh37 (hg19) VCF-style: chr22-37904528-C-A.
Identifiers: ClinVar variation 3037584 (VCV003037584.15), dbSNP rs145143750, ClinGen allele CA10219987.

ClinVar aggregate classification (germline): Benign. Review status: criteria provided, single submitter (1 of 4 stars). 2 submissions from 2 submitters: Benign (1). 1 of the submissions does not count toward it. Last evaluated 2024-12-01.

Conditions:
CARD10-related disorder. Also called: CARD10-related condition.

Allele frequency attached by ClinVar (database versions not stated): TOPMed 0.00698; gnomAD 0.00936; ESP Exome Variant Server 0.00958; gnomAD exomes 0.01148; ExAC 0.01554; 1000 Genomes Project 30x 0.00593; 1000 Genomes Project 0.00619.
gnomAD v4.1: 17,842 of 1,586,180 alleles (1.1%); highest among the groups gnomAD compares: Non-Finnish European, 1.2%; 157 homozygotes.

Submissions (2):

CeGaT Center for Human Genetics Tuebingen
Classification: Benign. Last evaluated: 2024-12-01. Review status: criteria provided, single submitter. Criteria: CeGaT Center For Human Genetics Tuebingen Variant Classification Criteria Version 2. Collection method: clinical testing. Allele origin: germline. Affected: yes. Observed: 1 variant allele.
Comment: CARD10: BP4, BS1, BS2

PreventionGenetics, part of Exact Sciences
Classification: Benign for CARD10-related condition. Last evaluated: 2019-05-03. Review status: no assertion criteria provided. Collection method: clinical testing. Allele origin: germline. Not counted in ClinVar's aggregate classification.
Comment: This variant is classified as benign based on ACMG/AMP sequence variant interpretation guidelines (Richards et al. 2015 PMID: 25741868, with internal and published modifications).